The following is an entry in ClinVar:

NM_033004.4(NLRP1):c.4156C>T (p.Arg1386Ter)

Gene: NLRP1 (NLR family pyrin domain containing 1; minus strand). Cytogenetic location: 17p13.2.
Variant type: single nucleotide variant.
Coding change: c.4156C>T on transcript NM_033004.4 (MANE Select); coding-DNA position 4156, C replaced by T.
Protein change: p.Arg1386Ter; replaces arginine 1386 with a stop codon.
Molecular consequence: nonsense. On other transcripts: intron variant (1).
Genome position (GRCh38, 1-based): chr17:5,515,020, G>A on the plus strand (C>T on the coding strand, the complement: NLRP1 is on the minus strand). VCF-style: chr17-5515020-G-A. GRCh37 (hg19) VCF-style: chr17-5418340-G-A.
Other names: c.4024C>T, p.Arg1342Ter (NM_014922.5); c.4066C>T, p.Arg1356Ter (NM_033006.4); c.3934C>T, p.Arg1312Ter (NM_033007.4); c.4069+2726C>T (NM_001033053.3); short protein forms R1386*, R1312*, R1342*, R1356*.
Identifiers: ClinVar variation 2978121 (VCV002978121.4), dbSNP rs868641158, ClinGen allele CA287273639.

ClinVar aggregate classification (germline): Uncertain significance. Review status: criteria provided, multiple submitters, no conflicts (2 of 4 stars). 2 submissions from 2 submitters: Uncertain significance (2). Last evaluated 2025-03-06.

Allele frequency attached by ClinVar (database versions not stated): gnomAD exomes below 0.00001.
gnomAD v4.1: 1 of 1,614,194 alleles (0.000062%); highest among the groups gnomAD compares: Non-Finnish European, 0.000085%; no homozygotes.

Submissions (2):

Revvity Omics, Revvity
Classification: Uncertain significance. Last evaluated: 2025-03-06. Review status: criteria provided, single submitter. Criteria: ACMG Guidelines, 2015. Collection method: clinical testing. Allele origin: germline.

Labcorp Genetics (formerly Invitae), Labcorp
Classification: Uncertain significance. Last evaluated: 2023-08-11. Review status: criteria provided, single submitter. Criteria: Invitae Variant Classification Sherloc (09022015). Collection method: clinical testing. Allele origin: germline.
Comment: In summary, the available evidence is currently insufficient to determine the role of this variant in disease. Therefore, it has been classified as a Variant of Uncertain Significance. This variant has not been reported in the literature in individuals affected with NLRP1-related conditions. This variant is present in population databases (no rsID available, gnomAD 0.0009%). This sequence change creates a premature translational stop signal (p.Arg1386*) in the NLRP1 gene. While this is not anticipated to result in nonsense mediated decay, it is expected to disrupt the last 88 amino acid(s) of the NLRP1 protein.